The following is an entry in ClinVar:

NM_173598.6(KSR2):c.1607del (p.Leu536fs)

Gene: KSR2 (kinase suppressor of ras 2; minus strand). Cytogenetic location: 12q24.22.
Variant type: Deletion.
Coding change: c.1607del on transcript NM_173598.6 (MANE Select); coding-DNA position 1607, one base deleted (T; older notation c.1607delT).
Protein change: p.Leu536fs; shifts the reading frame from leucine 536.
Molecular consequence: frameshift variant.
Genome position (GRCh38, 1-based): chr12:117,539,799, A deleted on the plus strand (T on the coding strand, the reverse complement: KSR2 is on the minus strand). VCF-style (leftmost placement, unchanged base first): chr12-117539798-GA-G. GRCh37 (hg19) VCF-style: chr12-117977603-GA-G.
Other names: short protein forms L536fs.
Identifiers: ClinVar variation 4983766 (VCV004983766.1).

ClinVar aggregate classification (germline): Uncertain significance (1 of 4 stars; one submission).

Conditions:
KSR2-related disorder. Also called: KSR2-related condition.

Submission:

PreventionGenetics, part of Exact Sciences
Classification: Uncertain significance for KSR2-related condition. Last evaluated: 2025-09-10. Review status: criteria provided, single submitter. Criteria: ACMG Guidelines, 2015. Collection method: clinical testing. Allele origin: germline.
Comment: The KSR2 c.1520delT variant is predicted to result in a frameshift and premature protein termination (p.Leu507Profs*61). To our knowledge, this variant has not been reported in the literature. This early termination change and others nearby have been reported in individuals of unknown phenotype in the v4.1.0 version of the gnomAD database, calling the clinical relevance of early termination changes in this region into question. Please note that the gnomAD data "Not Present" in the above table references the v2.1.1 dataset. At this time, the clinical significance of this variant is uncertain due to the absence of conclusive functional and genetic evidence.